The following is an entry in ClinVar:

ClinVar aggregate classification (germline): Uncertain significance (1 of 4 stars; one submission).

Conditions:
Autosomal recessive dyskeratosis congenita. Identifiers: MedGen C3502105.
Hoyeraal-Hreidarsson syndrome (HHS). Also called: CEREBELLAR HYPOPLASIA WITH PANCYTOPENIA. Identifiers: Orphanet 3322, MedGen C1846142, MONDO:0018045.

Allele frequency attached by ClinVar (database versions not stated): TOPMed 0.00001; gnomAD 0.00003.
gnomAD v4.1: 6 of 1,614,062 alleles (0.00037%); highest among the groups gnomAD compares: African/African-American, 0.0067%; no homozygotes.

Submission:

Labcorp Genetics (formerly Invitae), Labcorp
Classification: Uncertain significance for Hoyeraal-Hreidarsson syndrome; Autosomal recessive dyskeratosis congenita. Last evaluated: 2019-11-07. Review status: criteria provided, single submitter. Criteria: Invitae Variant Classification Sherloc (09022015). Collection method: clinical testing. Allele origin: germline.
Comment: This sequence change replaces glycine with arginine at codon 454 of the DCLRE1B protein (p.Gly454Arg). The glycine residue is weakly conserved and there is a moderate physicochemical difference between glycine and arginine. In summary, the available evidence is currently insufficient to determine the role of this variant in disease. Therefore, it has been classified as a Variant of Uncertain Significance. Algorithms developed to predict the effect of missense changes on protein structure and function output the following: SIFT: "Tolerated"; PolyPhen-2: "Benign"; Align-GVGD: "Class C0". The arginine amino acid residue is found in multiple mammalian species, suggesting that this missense change does not adversely affect protein function. These predictions have not been confirmed by published functional studies and their clinical significance is uncertain. This variant has not been reported in the literature in individuals with DCLRE1B-related conditions. This variant is not present in population databases (ExAC no frequency).

NM_022836.4(DCLRE1B):c.1360G>A (p.Gly454Arg)

Gene: DCLRE1B (DNA cross-link repair 1B; plus strand). Cytogenetic location: 1p13.2.
Variant type: single nucleotide variant.
Coding change: c.1360G>A on transcript NM_022836.4 (MANE Select); coding-DNA position 1360, G replaced by A.
Protein change: p.Gly454Arg; replaces glycine 454 with arginine.
Molecular consequence: missense variant. On other transcripts: intron variant (2).
Genome position (GRCh38, 1-based): chr1:113,911,952, G>A. VCF-style: chr1-113911952-G-A. GRCh37 (hg19) VCF-style: chr1-114454574-G-A.
Other names: c.982G>A, p.Gly328Arg (NM_001319946.2, NM_001319947.2); c.1246+114G>A (NM_001363690.2); c.868+114G>A (NM_001363691.2); short protein forms G328R, G454R.
Identifiers: ClinVar variation 955090 (VCV000955090.9), dbSNP rs770223898, ClinGen allele CA341707732.